The following is an entry in ClinVar:

ClinVar aggregate classification (germline): Uncertain significance (1 of 4 stars; one submission).

Conditions:
Kleefstra syndrome 1 (KLEFS1). Identifiers: Orphanet 261494, MedGen C0795833, MONDO:0027407, OMIM 610253.

Submission:

Labcorp Genetics (formerly Invitae), Labcorp
Classification: Uncertain significance for Kleefstra syndrome 1. Last evaluated: 2022-07-25. Review status: criteria provided, single submitter. Criteria: Invitae Variant Classification Sherloc (09022015). Collection method: clinical testing. Allele origin: germline.
Comment: In summary, the available evidence is currently insufficient to determine the role of this variant in disease. Therefore, it has been classified as a Variant of Uncertain Significance. Algorithms developed to predict the effect of missense changes on protein structure and function (SIFT, PolyPhen-2, Align-GVGD) all suggest that this variant is likely to be disruptive. ClinVar contains an entry for this variant (Variation ID: 1486672). This variant has not been reported in the literature in individuals affected with EHMT1-related conditions. This variant is not present in population databases (gnomAD no frequency). This sequence change replaces arginine, which is basic and polar, with glycine, which is neutral and non-polar, at codon 1118 of the EHMT1 protein (p.Arg1118Gly).

NM_024757.5(EHMT1):c.3352C>G (p.Arg1118Gly)

Gene: EHMT1 (euchromatic histone lysine methyltransferase 1; plus strand). Cytogenetic location: 9q34.3.
Variant type: single nucleotide variant.
Coding change: c.3352C>G on transcript NM_024757.5 (MANE Select); coding-DNA position 3352, C replaced by G.
Protein change: p.Arg1118Gly; replaces arginine 1118 with glycine.
Molecular consequence: missense variant.
Genome position (GRCh38, 1-based): chr9:137,816,040, C>G. VCF-style: chr9-137816040-C-G. GRCh37 (hg19) VCF-style: chr9-140710492-C-G.
Other names: c.3331C>G, p.Arg1111Gly (NM_001354263.2); short protein forms R1111G, R1118G.
Identifiers: ClinVar variation 1486672 (VCV001486672.8), dbSNP rs573020258, ClinGen allele CA375796852.
Genomic context (GRCh38, chr9:137,816,040, plus strand): 5'-GAGCCTCCCTTGATCTTCGAATGCAACCACGCGTGCTCCTGCTGGAGGAACTGCCGAAAT[C>G]GCGTCGTACAGAATGGTCTCAGGTGAGAGGCAGCTTCCTGCCGGAGCCCCACATTCTGCT-3'
Protein context (NP_079033.4, residues 1108-1128): ACSCWRNCRN[Arg1118Gly]VVQNGLRARL